The following is an entry in ClinVar:

ClinVar aggregate classification (germline): Conflicting classifications of pathogenicity. Review status: criteria provided, conflicting classifications (1 of 4 stars). 4 submissions from 4 submitters: Uncertain significance (2); Likely benign (1). 1 of the submissions does not count toward it. Last evaluated 2026-01-12.

Conditions:
Inborn genetic diseases. Identifiers: MedGen C0950123, MeSH D030342.
Imerslund-Grasbeck syndrome. Also called: ENTEROCYTE COBALAMIN MALABSORPTION; ENTEROCYTE INTRINSIC FACTOR RECEPTOR, DEFECT OF; PERNICIOUS ANEMIA, JUVENILE, DUE TO SELECTIVE INTESTINAL MALABSORPTION OF VITAMIN B12, WITH PROTEINURIA; Megaloblastic anemia due to inborn errors of metabolism; Imerslund-Gräsbeck syndrome. Identifiers: Orphanet 35858, MedGen C4551825, MONDO:0009853.
CUBN-related disorder. Also called: CUBN-related condition.

Allele frequency attached by ClinVar (database versions not stated): gnomAD exomes 0.00018; ExAC 0.00027; 1000 Genomes Project 30x 0.00094; 1000 Genomes Project 0.00100.
gnomAD v4.1: 288 of 1,613,978 alleles (0.018%); highest among the groups gnomAD compares: East Asian, 0.56%; no homozygotes.

Submissions (4):

Labcorp Genetics (formerly Invitae), Labcorp
Classification: Likely benign for Imerslund-Grasbeck syndrome. Last evaluated: 2026-01-12. Review status: criteria provided, single submitter. Criteria: Invitae Variant Classification Sherloc (09022015). Collection method: clinical testing. Allele origin: germline.

Ambry Genetics
Classification: Uncertain significance for Inborn genetic diseases. Last evaluated: 2023-10-02. Review status: criteria provided, single submitter. Criteria: Ambry Variant Classification Scheme 2023. Collection method: clinical testing. Allele origin: germline.

Clinical Genetics Laboratory, Skane University Hospital Lund
Classification: Uncertain significance. Last evaluated: 2022-05-27. Review status: criteria provided, single submitter. Criteria: ACMG Guidelines, 2015. Collection method: clinical testing. Allele origin: germline. Affected: yes.

PreventionGenetics, part of Exact Sciences
Classification: Likely benign for CUBN-related condition. Last evaluated: 2024-07-15. Review status: no assertion criteria provided. Collection method: clinical testing. Allele origin: germline. Not counted in ClinVar's aggregate classification.
Comment: This variant is classified as likely benign based on ACMG/AMP sequence variant interpretation guidelines (Richards et al. 2015 PMID: 25741868, with internal and published modifications).

NM_001081.4(CUBN):c.6490C>T (p.Pro2164Ser)

Gene: CUBN (cubilin; minus strand). Cytogenetic location: 10p13.
Variant type: single nucleotide variant.
Coding change: c.6490C>T on transcript NM_001081.4 (MANE Select); coding-DNA position 6490, C replaced by T.
Protein change: p.Pro2164Ser; replaces proline 2164 with serine.
Molecular consequence: missense variant.
Genome position (GRCh38, 1-based): chr10:16,925,397, G>A on the plus strand (C>T on the coding strand, the complement: CUBN is on the minus strand). VCF-style: chr10-16925397-G-A. GRCh37 (hg19) VCF-style: chr10-16967396-G-A.
Other names: short protein forms P2164S.
Identifiers: ClinVar variation 2712358 (VCV002712358.6), dbSNP rs199915629, ClinGen allele CA5423653.